The following is an entry in ClinVar:

ClinVar aggregate classification (germline): Uncertain significance (1 of 4 stars; one submission).

Allele frequency attached by ClinVar (database versions not stated): gnomAD 0.00001; TOPMed 0.00001.
gnomAD v4.1: 4 of 1,609,762 alleles (0.00025%); highest among the groups gnomAD compares: Non-Finnish European, 0.00034%; no homozygotes.

Submission:

Labcorp Genetics (formerly Invitae), Labcorp
Classification: Uncertain significance. Last evaluated: 2022-07-12. Review status: criteria provided, single submitter. Criteria: Invitae Variant Classification Sherloc (09022015). Collection method: clinical testing. Allele origin: germline.
Comment: This sequence change replaces aspartic acid, which is acidic and polar, with tyrosine, which is neutral and polar, at codon 979 of the SBF1 protein (p.Asp979Tyr). In summary, the available evidence is currently insufficient to determine the role of this variant in disease. Therefore, it has been classified as a Variant of Uncertain Significance. Algorithms developed to predict the effect of sequence changes on RNA splicing suggest that this variant may create or strengthen a splice site. Algorithms developed to predict the effect of missense changes on protein structure and function are either unavailable or do not agree on the potential impact of this missense change (SIFT: "Deleterious"; PolyPhen-2: "Possibly Damaging"; Align-GVGD: "Class C0"). ClinVar contains an entry for this variant (Variation ID: 1397859). This variant has not been reported in the literature in individuals affected with SBF1-related conditions. This variant is not present in population databases (gnomAD no frequency).

NM_002972.4(SBF1):c.2935G>T (p.Asp979Tyr)

Gene: SBF1 (SET binding factor 1; minus strand). Cytogenetic location: 22q13.33.
Variant type: single nucleotide variant.
Coding change: c.2935G>T on transcript NM_002972.4 (MANE Select); coding-DNA position 2935, G replaced by T.
Protein change: p.Asp979Tyr; replaces aspartic acid 979 with tyrosine.
Molecular consequence: missense variant.
Genome position (GRCh38, 1-based): chr22:50,461,191, C>A on the plus strand (G>T on the coding strand, the complement: SBF1 is on the minus strand). VCF-style: chr22-50461191-C-A. GRCh37 (hg19) VCF-style: chr22-50899620-C-A.
Other names: c.2938G>T, p.Asp980Tyr (NM_001365819.1); short protein forms D980Y, D979Y.
Identifiers: ClinVar variation 1397859 (VCV001397859.7), dbSNP rs1252953498, ClinGen allele CA412207747.